The following is an entry in ClinVar:

ClinVar aggregate classification (germline): Uncertain significance (1 of 4 stars; one submission).

Allele frequency attached by ClinVar (database versions not stated): gnomAD exomes below 0.00001.
gnomAD v4.1: 5 of 1,211,064 alleles (0.00041%); highest among the groups gnomAD compares: Non-Finnish European, 0.00056%; no homozygotes.

Submission:

Labcorp Genetics (formerly Invitae), Labcorp
Classification: Uncertain significance. Last evaluated: 2022-03-13. Review status: criteria provided, single submitter. Criteria: Invitae Variant Classification Sherloc (09022015). Collection method: clinical testing. Allele origin: germline.
Comment: This sequence change replaces glutamic acid, which is acidic and polar, with alanine, which is neutral and non-polar, at codon 165 of the TSR2 protein (p.Glu165Ala). This variant is not present in population databases (gnomAD no frequency). This variant has not been reported in the literature in individuals affected with TSR2-related conditions. Algorithms developed to predict the effect of missense changes on protein structure and function are either unavailable or do not agree on the potential impact of this missense change (SIFT: "Not Available"; PolyPhen-2: "Benign"; Align-GVGD: "Not Available"). In summary, the available evidence is currently insufficient to determine the role of this variant in disease. Therefore, it has been classified as a Variant of Uncertain Significance.

NM_058163.3(TSR2):c.494A>C (p.Glu165Ala)

Gene: TSR2 (TSR2 ribosome maturation factor; plus strand). Cytogenetic location: Xp11.22.
Variant type: single nucleotide variant.
Coding change: c.494A>C on transcript NM_058163.3 (MANE Select); coding-DNA position 494, A replaced by C.
Protein change: p.Glu165Ala; replaces glutamic acid 165 with alanine.
Molecular consequence: missense variant.
Genome position (GRCh38, 1-based): chrX:54,444,468, A>C. VCF-style: chrX-54444468-A-C. GRCh37 (hg19) VCF-style: chrX-54470901-A-C.
Other names: c.485A>C, p.Glu162Ala (NM_001346789.2); c.209A>C, p.Glu70Ala (NM_001346790.2, NM_001346791.2, NM_001346792.2); short protein forms E70A, E162A, E165A.
Identifiers: ClinVar variation 2111455 (VCV002111455.4), dbSNP rs2522677935, ClinGen allele CA413357488.
Genomic context (GRCh38, chrX:54,444,468, plus strand): 5'-CCCTCCAGGTCACAGCTACGAATGATGGGGCTGCTACAGATGGGGTCTGCCCCCAGCCTG[A>C]ACCCTCTGATCCAGACGCTCAGACTATTAAGGAAGAGGATATAGTGGAAGATGGCTGGAC-3'
Protein context (NP_477511.1, residues 155-175): AATDGVCPQP[Glu165Ala]PSDPDAQTIK